The following is an entry in ClinVar:

ClinVar aggregate classification (germline): Uncertain significance. Review status: criteria provided, multiple submitters, no conflicts (2 of 4 stars). 3 submissions from 3 submitters: Uncertain significance (3). Last evaluated 2022-09-16.

Conditions:
Cholestanol storage disease (CTX). Also called: Cerebrotendinous Xanthomatosis; CTX: Cerebrotendinous xanthomatosis; CEREBRAL CHOLESTERINOSIS. Identifiers: Orphanet 909, MedGen C0238052, MONDO:0008948, OMIM 213700.
Cardiovascular phenotype. Identifiers: MedGen CN230736.

Allele frequency attached by ClinVar (database versions not stated): ESP Exome Variant Server 0.00008; TOPMed 0.00009; ExAC 0.00014; gnomAD exomes 0.00015; 1000 Genomes Project 30x 0.00016; 1000 Genomes Project 0.00020; gnomAD 0.00020 and 0.00021.
gnomAD v4.1: 99 of 1,614,222 alleles (0.0061%); highest among the groups gnomAD compares: Admixed American, 0.075%; no homozygotes.

Submissions (3):

Labcorp Genetics (formerly Invitae), Labcorp
Classification: Uncertain significance for Cholestanol storage disease. Last evaluated: 2022-09-16. Review status: criteria provided, single submitter. Criteria: Invitae Variant Classification Sherloc (09022015). Collection method: clinical testing. Allele origin: germline.
Comment: This sequence change replaces threonine, which is neutral and polar, with methionine, which is neutral and non-polar, at codon 343 of the CYP27A1 protein (p.Thr343Met). This variant is present in population databases (rs372194079, gnomAD 0.05%). This variant has not been reported in the literature in individuals affected with CYP27A1-related conditions. ClinVar contains an entry for this variant (Variation ID: 597410). Advanced modeling of protein sequence and biophysical properties (such as structural, functional, and spatial information, amino acid conservation, physicochemical variation, residue mobility, and thermodynamic stability) has been performed at Invitae for this missense variant, however the output from this modeling did not meet the statistical confidence thresholds required to predict the impact of this variant on CYP27A1 protein function. In summary, the available evidence is currently insufficient to determine the role of this variant in disease. Therefore, it has been classified as a Variant of Uncertain Significance.

Ambry Genetics
Classification: Uncertain significance for Cardiovascular phenotype. Last evaluated: 2022-06-17. Review status: criteria provided, single submitter. Criteria: Ambry Variant Classification Scheme 2023. Collection method: clinical testing. Allele origin: germline.

Eurofins Ntd Llc (ga)
Classification: Uncertain significance. Last evaluated: 2018-05-30. Review status: criteria provided, single submitter. Criteria: EGL ClinVar v180209 classification definitions. Collection method: clinical testing. Allele origin: germline. Observed: 1 variant allele, 1 heterozygote.

NM_000784.4(CYP27A1):c.1028C>T (p.Thr343Met)

Gene: CYP27A1 (cytochrome P450 family 27 subfamily A member 1; plus strand). Cytogenetic location: 2q35.
Variant type: single nucleotide variant.
Coding change: c.1028C>T on transcript NM_000784.4 (MANE Select); coding-DNA position 1028, C replaced by T.
Protein change: p.Thr343Met; replaces threonine 343 with methionine.
Molecular consequence: missense variant.
Genome position (GRCh38, 1-based): chr2:218,814,031, C>T. VCF-style: chr2-218814031-C-T. GRCh37 (hg19) VCF-style: chr2-219678754-C-T.
Other names: c.1028C>T (NM_000784.3); short protein forms T343M.
Identifiers: ClinVar variation 597410 (VCV000597410.8), dbSNP rs372194079, ClinGen allele CA2112786.